The following is an entry in ClinVar:

ClinVar aggregate classification (germline): Uncertain significance (1 of 4 stars; one submission).

Submission:

Labcorp Genetics (formerly Invitae), Labcorp
Classification: Uncertain significance. Last evaluated: 2023-06-20. Review status: criteria provided, single submitter. Criteria: Invitae Variant Classification Sherloc (09022015). Collection method: clinical testing. Allele origin: germline.
Comment: This variant is not present in population databases (gnomAD no frequency). This sequence change replaces lysine, which is basic and polar, with threonine, which is neutral and polar, at codon 319 of the PHEX protein (p.Lys319Thr). This variant has not been reported in the literature in individuals affected with PHEX-related conditions. Advanced modeling of protein sequence and biophysical properties (such as structural, functional, and spatial information, amino acid conservation, physicochemical variation, residue mobility, and thermodynamic stability) has been performed at Invitae for this missense variant, however the output from this modeling did not meet the statistical confidence thresholds required to predict the impact of this variant on PHEX protein function. In summary, the available evidence is currently insufficient to determine the role of this variant in disease. Therefore, it has been classified as a Variant of Uncertain Significance.

NM_000444.6(PHEX):c.956A>C (p.Lys319Thr)

Gene: PHEX (phosphate regulating endopeptidase X-linked; plus strand). Cytogenetic location: Xp22.11.
Variant type: single nucleotide variant.
Coding change: c.956A>C on transcript NM_000444.6 (MANE Select); coding-DNA position 956, A replaced by C.
Protein change: p.Lys319Thr; replaces lysine 319 with threonine.
Molecular consequence: missense variant.
Genome position (GRCh38, 1-based): chrX:22,099,028, A>C. VCF-style: chrX-22099028-A-C. GRCh37 (hg19) VCF-style: chrX-22117146-A-C.
Other names: c.956A>C, p.Lys319Thr (NM_001282754.2); short protein forms K319T.
Identifiers: ClinVar variation 2711900 (VCV002711900.3), dbSNP rs2519779642, ClinGen allele CA412572781.